The following is an entry in ClinVar:

NM_019066.5(MAGEL2):c.2893T>G (p.Trp965Gly)

Gene: MAGEL2 (MAGE family member L2; minus strand). Cytogenetic location: 15q11.2.
Variant type: single nucleotide variant.
Coding change: c.2893T>G on transcript NM_019066.5 (MANE Select); coding-DNA position 2893, T replaced by G.
Protein change: p.Trp965Gly; replaces tryptophan 965 with glycine.
Molecular consequence: missense variant.
Genome position (GRCh38, 1-based): chr15:23,644,850, A>C on the plus strand (T>G on the coding strand, the complement: MAGEL2 is on the minus strand). VCF-style: chr15-23644850-A-C. GRCh37 (hg19) VCF-style: chr15-23889997-A-C.
Other names: short protein forms W965G.
Identifiers: ClinVar variation 3377932 (VCV003377932.2).

ClinVar aggregate classification (germline): Uncertain significance. Review status: criteria provided, multiple submitters, no conflicts (2 of 4 stars). 2 submissions from 2 submitters: Uncertain significance (2). Last evaluated 2025-12-14.

Submissions (2):

Labcorp Genetics (formerly Invitae), Labcorp
Classification: Uncertain significance. Last evaluated: 2025-12-14. Review status: criteria provided, single submitter. Criteria: Invitae Variant Classification Sherloc (09022015). Collection method: clinical testing. Allele origin: germline.
Comment: This sequence change replaces tryptophan, which is neutral and slightly polar, with glycine, which is neutral and non-polar, at codon 965 of the MAGEL2 protein (p.Trp965Gly). This variant is not present in population databases (gnomAD no frequency). This variant has not been reported in the literature in individuals affected with MAGEL2-related conditions. ClinVar contains an entry for this variant (Variation ID: 3377932). Invitae Evidence Modeling of protein sequence and biophysical properties (such as structural, functional, and spatial information, amino acid conservation, physicochemical variation, residue mobility, and thermodynamic stability) has been performed for this missense variant. However, the output from this modeling did not meet the statistical confidence thresholds required to predict the impact of this variant on MAGEL2 protein function. In summary, the available evidence is currently insufficient to determine the role of this variant in disease. Therefore, it has been classified as a Variant of Uncertain Significance.

GeneDx
Classification: Uncertain significance. Last evaluated: 2024-05-17. Review status: criteria provided, single submitter. Criteria: GeneDx Variant Classification Process June 2021. Collection method: clinical testing. Allele origin: germline. Affected: yes.
Comment: Not observed at significant frequency in large population cohorts (gnomAD); In silico analysis supports that this missense variant has a deleterious effect on protein structure/function; Has not been previously published as pathogenic or benign to our knowledge